The following is an entry in ClinVar:

ClinVar aggregate classification (germline): Conflicting classifications of pathogenicity. Review status: criteria provided, conflicting classifications (1 of 4 stars). 15 submissions from 14 submitters: Uncertain significance (11); Likely benign (1). 3 of the submissions do not count toward it. Last evaluated 2026-02-25.

Conditions:
Pheochromocytoma. Also called: MAX-Related Hereditary Paraganglioma-Pheochromocytoma Syndrome. Identifiers: Orphanet 29072, MedGen C0031511, MONDO:0008233, OMIM 171300, HP:0002666.
Hirschsprung disease, susceptibility to, 1 (HSCR1). Also called: RET-Related Hirschsprung Disease. Identifiers: Orphanet 388, MedGen C3888239, MONDO:0007723, OMIM 142623.
Familial medullary thyroid carcinoma (MTC). Also called: Thyroid cancer, familial medullary; MTC, familial; Familial Medullary Thyroid Carcinoma (FMTC). Identifiers: Orphanet 653, Orphanet 99361, MedGen C1833921, MONDO:0007958, OMIM 155240.
Multiple endocrine neoplasia type 2B. Also called: MEN IIB; NEUROMATA, MUCOSAL, WITH ENDOCRINE TUMORS; WAGENMANN-FROBOESE SYNDROME; MULTIPLE ENDOCRINE NEOPLASIA, TYPE III; MULTIPLE ENDOCRINE NEOPLASIA, TYPE IIB; MEN 2B. Identifiers: Orphanet 247709, Orphanet 653, MedGen C0025269, MeSH D018814, MONDO:0008082, OMIM 162300.
Multiple endocrine neoplasia type 2A. Also called: Multiple Endocrine Neoplasia Type 2A (MEN2A); MULTIPLE ENDOCRINE NEOPLASIA, TYPE IIA; PTC SYNDROME; SIPPLE SYNDROME; MEN 2A; MEN-2A syndrome. Identifiers: Orphanet 247698, Orphanet 653, MedGen C0025268, MeSH D018813, MONDO:0008234, OMIM 171400.
RET-related disorder. Also called: RET-related disorders; RET-related condition; RET-related disease.
Multiple endocrine neoplasia. Identifiers: Orphanet 276161, MedGen C0027662, MONDO:0017169.
Hereditary cancer-predisposing syndrome. Also called: Tumor predisposition; Hereditary neoplastic syndrome; Hereditary Cancer Syndrome; Neoplastic Syndromes, Hereditary. Identifiers: Orphanet 140162, MedGen C0027672, MeSH D009386, MONDO:0015356.
Multiple endocrine neoplasia, type 2 (MEN2). Identifiers: Orphanet 653, MedGen C4048306, MONDO:0019003. Disease mechanism: gain of function.

Allele frequency attached by ClinVar (database versions not stated): ExAC 0.00002; gnomAD exomes 0.00004 and 0.00002; gnomAD 0.00009; 1000 Genomes Project 30x 0.00031; 1000 Genomes Project 0.00040; TOPMed 0.00008.
gnomAD v4.1: 72 of 1,613,868 alleles (0.0045%); highest among the groups gnomAD compares: African/African-American, 0.033%; no homozygotes.

Submissions (15):

PreventionGenetics, part of Exact Sciences
Classification: Uncertain significance for RET-related condition. Last evaluated: 2026-02-25. Review status: criteria provided, single submitter. Criteria: ACMG Guidelines, 2015. Collection method: clinical testing. Allele origin: germline.
Comment: The RET c.2261C>T variant is predicted to result in the amino acid substitution p.Thr754Met. To our knowledge, this variant has not been reported in the literature in individuals with RET-associated conditions. This variant is reported in 0.016% of alleles in individuals of East Asian descent in gnomAD. This variant has conflicting interpretations in ClinVar ranging from uncertain to likely benign (Variation ID: 135177). At this time, the clinical significance of this variant is uncertain due to the absence of conclusive functional and genetic evidence.

Labcorp Genetics (formerly Invitae), Labcorp
Classification: Uncertain significance for Multiple endocrine neoplasia, type 2. Last evaluated: 2025-01-13. Review status: criteria provided, single submitter. Criteria: Invitae Variant Classification Sherloc (09022015). Collection method: clinical testing. Allele origin: germline.
Comment: This sequence change replaces threonine, which is neutral and polar, with methionine, which is neutral and non-polar, at codon 754 of the RET protein (p.Thr754Met). This variant is present in population databases (rs181856591, gnomAD 0.02%). This variant has not been reported in the literature in individuals affected with RET-related conditions. ClinVar contains an entry for this variant (Variation ID: 135177). An algorithm developed to predict the effect of missense changes on protein structure and function (PolyPhen-2) suggests that this variant is likely to be disruptive. In summary, the available evidence is currently insufficient to determine the role of this variant in disease. Therefore, it has been classified as a Variant of Uncertain Significance.

GeneDx
Classification: Uncertain significance. Last evaluated: 2024-09-23. Review status: criteria provided, single submitter. Criteria: GeneDx Variant Classification Process June 2021. Collection method: clinical testing. Allele origin: germline. Affected: yes.
Comment: In silico analysis supports that this missense variant has a deleterious effect on protein structure/function; Identified in healthy individuals undergoing whole genome sequencing (PMID: 24728327); This variant is associated with the following publications: (PMID: 24336963, 24728327, 14633923)

All of Us Research Program, National Institutes of Health
Classification: Uncertain significance for Multiple endocrine neoplasia, type 2. Last evaluated: 2024-08-13. Review status: criteria provided, single submitter. Criteria: ACMG Guidelines, 2015. Collection method: clinical testing. Allele origin: germline. Inheritance: Autosomal dominant inheritance. Observed: 10 variant alleles, 10 heterozygotes.
Comment: This missense variant replaces threonine with methionine at codon 754 of the RET protein. Computational prediction suggests that this variant may have deleterious impact on protein structure and function (internally defined REVEL score threshold >= 0.7, PMID: 27666373). To our knowledge, functional studies have not been reported for this variant. This variant has not been reported in individuals affected with hereditary cancer in the literature. This variant has been identified in 6/251422 chromosomes in the general population by the Genome Aggregation Database (gnomAD). The available evidence is insufficient to determine the role of this variant in disease conclusively. Therefore, this variant is classified as a Variant of Uncertain Significance.

This study involves interpretation of variants in research participants for the purpose of population health screening. Participant phenotype was not available at the time of variant classification. Additional details can be found in publication PMID: 35346344, PMCID: PMC8962531

Fulgent Genetics
Classification: Uncertain significance for Hirschsprung disease, susceptibility to, 1; Familial medullary thyroid carcinoma; Multiple endocrine neoplasia type 2B; Pheochromocytoma; Multiple endocrine neoplasia type 2A. Last evaluated: 2024-04-29. Review status: criteria provided, single submitter. Criteria: ACMG Guidelines, 2015. Collection method: clinical testing. Allele origin: germline.

Baylor Genetics
Classification: Uncertain significance for Hirschsprung disease, susceptibility to, 1. Last evaluated: 2024-03-15. Review status: criteria provided, single submitter. Criteria: ACMG Guidelines, 2015. Collection method: clinical testing. Allele origin: unknown.

Color Diagnostics, LLC DBA Color Health
Classification: Uncertain significance for Multiple endocrine neoplasia, type 2. Last evaluated: 2024-02-08. Review status: criteria provided, single submitter. Criteria: ACMG Guidelines, 2015. Collection method: clinical testing. Allele origin: germline.
Comment: This missense variant replaces threonine with methionine at codon 754 of the RET protein. Computational prediction suggests that this variant may have deleterious impact on protein structure and function. To our knowledge, functional studies have not been reported for this variant. This variant has not been reported in individuals affected with hereditary cancer in the literature. This variant has been identified in 6/251422 chromosomes in the general population by the Genome Aggregation Database (gnomAD). The available evidence is insufficient to determine the role of this variant in disease conclusively. Therefore, this variant is classified as a Variant of Uncertain Significance.

Neuberg Centre For Genomic Medicine, NCGM
Classification: Uncertain significance for Familial medullary thyroid carcinoma. Last evaluated: 2023-05-20. Review status: criteria provided, single submitter. Criteria: ACMG Guidelines, 2015. Collection method: clinical testing. Allele origin: germline. Inheritance: Autosomal dominant inheritance. Affected: yes.
Comment: The observed missense variant c.2261C>T (p.Thr754Met) in the RET gene has not been reported previously as a pathogenic variant nor as a benign variant, to our knowledge. This variant is reported with the allele frequency 0.002% in the gnomAD Exomes. This variant has been reported to the ClinVar database as Uncertain Significance. However, no details are available for independent assessment. The amino acid Threonine at position 754 is changed to a Methionine changing protein sequence and it might alter its composition and physico- chemical properties. Multiple lines of computational evidence (Polyphen - Probably damaging, SIFT - Damaging and MutationTaster - Disease causing) predict a damaging effect on protein structure and function for this variant. The residue is conserved by GERP++ and PhyloP across 100 vertebrates. For these reasons, this variant has been classified as Uncertain Significance.

Department of Pathology and Laboratory Medicine, Sinai Health System
Classification: Uncertain significance for Hirschsprung disease, susceptibility to, 1; Familial medullary thyroid carcinoma; Multiple endocrine neoplasia type 2B; Pheochromocytoma; Multiple endocrine neoplasia type 2A. Last evaluated: 2023-05-16. Review status: criteria provided, single submitter. Criteria: ACMG Guidelines, 2015. Collection method: research. Allele origin: germline.

Ambry Genetics
Classification: Likely benign for Hereditary cancer-predisposing syndrome. Last evaluated: 2023-04-19. Review status: criteria provided, single submitter. Criteria: Ambry Variant Classification Scheme 2023. Collection method: clinical testing. Allele origin: germline.

Sema4
Classification: Uncertain significance for Hereditary cancer-predisposing syndrome. Last evaluated: 2022-01-02. Review status: criteria provided, single submitter. Criteria: Sema4 Curation Guidelines. Collection method: curation. Allele origin: germline.
Comment: To the best of our knowledge, the RET c.2261C>T (p.T754M) variant has not been reported in individuals with RET-related disease. It has been reported in one healthy individual (PMID: 24728327). It was observed in 3/18394 chromosomes of the East Asian subpopulation in the large and broad cohorts of the Genome Aggregation Database (PMID: 32461654). The variant has been reported in ClinVar (Variation ID 135177). In silico tools suggest the impact of the variant on protein function is deleterious, though these predictions have not been confirmed by functional studies. The evidence is insufficient to meet ACMG/AMP criteria for classifying the variant as benign or pathogenic. Thus, the clinical significance of this variant is currently uncertain.

Genomic Diagnostic Laboratory, Division of Genomic Diagnostics, Children's Hospital of Philadelphia
Classification: Uncertain significance for Multiple endocrine neoplasia. Last evaluated: 2015-02-13. Review status: criteria provided, single submitter. Criteria: DGD Variant Analysis Guidelines. Collection method: clinical testing. Allele origin: unknown.

Counsyl
Classification: Uncertain significance for Multiple endocrine neoplasia type 2B. Last evaluated: 2015-11-21. Review status: no assertion criteria provided. Collection method: clinical testing. Allele origin: unknown. Not counted in ClinVar's aggregate classification.

Counsyl
Classification: Uncertain significance for Multiple endocrine neoplasia type 2A. Last evaluated: 2015-11-21. Review status: no assertion criteria provided. Collection method: clinical testing. Allele origin: unknown. Not counted in ClinVar's aggregate classification.

ITMI
No classification provided. Condition: AllHighlyPenetrant. Last evaluated: 2013-09-19. Review status: no classification provided. Collection method: reference population. Allele origin: germline. Not counted in ClinVar's aggregate classification.
Comment: Please see associated publication for description of ethnicities

Literature cited by the submitters: PubMed 24336963 (cited by Ambry Genetics and Counsyl); PubMed 24728327 (cited by 3 submitters).

NM_020975.6(RET):c.2261C>T (p.Thr754Met)

Gene: RET (ret proto-oncogene; plus strand). Cytogenetic location: 10q11.21.
Variant type: single nucleotide variant.
Coding change: c.2261C>T on transcript NM_020975.6 (MANE Select); coding-DNA position 2261, C replaced by T.
Protein change: p.Thr754Met; replaces threonine 754 with methionine.
Molecular consequence: missense variant.
Genome position (GRCh38, 1-based): chr10:43,116,708, C>T. VCF-style: chr10-43116708-C-T. GRCh37 (hg19) VCF-style: chr10-43612156-C-T.
Other names: c.2261C>T, p.Thr754Met (NM_000323.2, NM_001406743.1, NM_001406744.1 and 4 more transcripts); c.1499C>T, p.Thr500Met (NM_001355216.2); c.2132C>T, p.Thr711Met (NM_001406761.1, NM_001406762.1, NM_001406764.1); c.2126C>T, p.Thr709Met (NM_001406763.1, NM_001406765.1); c.1535C>T, p.Thr512Met (NM_001406776.1, NM_001406777.1, NM_001406778.1 and 1 more transcripts); c.1364C>T, p.Thr455Met (NM_001406779.1, NM_001406780.1, NM_001406781.1 and 1 more transcripts); c.1235C>T, p.Thr412Met (NM_001406783.1, NM_001406786.1); c.1271C>T, p.Thr424Met (NM_001406784.1); and 10 more; short protein forms T754M, T500M, T579M, T666M, T319M, T359M, T410M, T455M.
Identifiers: ClinVar variation 135177 (VCV000135177.29), dbSNP rs181856591, ClinGen allele CA008622.